The following continues an entry in ClinVar:

NM_000441.2(SLC26A4):c.412G>T (p.Val138Phe)

Gene: SLC26A4. ClinVar aggregate classification (germline): Pathogenic. Pathogenic (1).

Submissions 23 to 26 of 26:

Illumina Laboratory Services, Illumina
Classification: Pathogenic for SLC26A4-Related Disorders. Last evaluated: 2017-04-27. Review status: criteria provided, single submitter. Criteria: ICSL Variant Classification Criteria 09 May 2019. Collection method: clinical testing. Allele origin: germline. Not counted in ClinVar's aggregate classification.
Comment: Across a selection of the available literature, the SLC26A4 c.412G>T (p.Val138Phe) missense variant has been identified in a total of 23 patients with hearing loss or Pendred syndrome, including in four in a homozygous state, 14 in a compound heterozygous state and five in a heterozygous state in whom a second variant was not identified. The variant was also found in a heterozygous state in at least two unaffected family members (Van Hauwe et al. 1998; Coyle et al. 1998; Campbell et al. 2001; Gonzales-Trevino et al. 2001; Taylor et al. 2002; Borck et al. 2003; Pryor et al. 2005; Pera et al. 2008; Kandasamy et al. 2011; Landa et al. 2013). Segregation with disease is reported to have been shown in several families (Van Hauwe et al. 1998; Gonzales-Trevino et al. 2001). The variant was absent from 214 controls and is reported at a frequency of 0.00033 in the European (non-Finnish) population of the Exome Aggregation Consortium. The Val138 residue is conserved among several other related sulfate transporter genes from different species. Functional studies have shown that the p.Val138Phe variant protein is retained in the endoplasmic reticulum and fails to reach the cell membrane leading to loss of protein activity (Taylor et al. 2002). Based on the collective evidence, the p.Val138Phe variant is classified as pathogenic for SLC26A4-related disorders. This variant was observed by ICSL as part of a predisposition screen in an ostensibly healthy population.

Clinical Genetics Service, Universitary Hospital 12 de Octubre
Classification: Pathogenic for Autosomal recessive nonsyndromic hearing loss 4. Review status: criteria provided, single submitter. Criteria: ACMG Guidelines, 2015. Collection method: clinical testing. Allele origin: germline. Affected: yes. Not counted in ClinVar's aggregate classification.

Laboratory of Molecular, Cellular and Translation Genetics in Otolaryngology/ Lim32-hcfmusp, University of Sao Paulo School of Medicine Clinics Hospital
Classification: Pathogenic for Pendred syndrome. Review status: criteria provided, single submitter. Criteria: ClinGen HL ACMG Specifications v1. Collection method: research. Allele origin: germline. Inheritance: Autosomal recessive inheritance. Affected: yes. Observed: 1 variant allele, 1 compound heterozygote. Segregation with disease observed. Not counted in ClinVar's aggregate classification.

OMIM
Classification: Pathogenic for PENDRED SYNDROME. Last evaluated: 2003-06-01. Review status: no assertion criteria provided. Collection method: literature only. Allele origin: germline. Not counted in ClinVar's aggregate classification.

Literature cited by the submitters: PubMed 16570074 (cited by 3 submitters); PubMed 18285825 (cited by 3 submitters); PubMed 20597900 (cited by 5 submitters); PubMed 26683941 (cited by ClinGen Hearing Loss Variant Curation Expert Panel and Mayo Clinic Laboratories, Mayo Clinic); PubMed 23965030 (cited by 3 submitters); PubMed 17503324 (cited by ClinGen Hearing Loss Variant Curation Expert Panel and Mayo Clinic Laboratories, Mayo Clinic); PubMed 15689455 (cited by 6 submitters); PubMed 23273637 (cited by 5 submitters); PubMed 23336812 (cited by ClinGen Hearing Loss Variant Curation Expert Panel and Mayo Clinic Laboratories, Mayo Clinic); PubMed 12788906 (cited by 10 submitters); PubMed 24224479 (cited by 3 submitters); PubMed 11932316 (cited by 9 submitters); PubMed 21551164 (cited by 7 submitters); PubMed 25999548 (cited by ClinGen Hearing Loss Variant Curation Expert Panel and Mayo Clinic Laboratories, Mayo Clinic); PubMed 9618166 (cited by 5 submitters); PubMed 26969326 (cited by Labcorp Genetics (formerly Invitae), Labcorp); PubMed 38224868 (cited by Mayo Clinic Laboratories, Mayo Clinic); PubMed 24599119 (cited by Victorian Clinical Genetics Services, Murdoch Childrens Research Institute); PubMed 20301640 (cited by Victorian Clinical Genetics Services, Murdoch Childrens Research Institute); PubMed 31633822 (cited by Women's Health and Genetics/Laboratory Corporation of America, LabCorp); PubMed 9618167 (cited by 3 submitters); PubMed 11317356 (cited by Laboratory for Molecular Medicine, Mass General Brigham Personalized Medicine and Illumina Laboratory Services, Illumina); PubMed 11375792 (cited by 3 submitters); PubMed 19204907 (cited by Myriad Genetics, Inc.); PubMed 15355436 (cited by Myriad Genetics, Inc.); PubMed 19017801 (cited by Myriad Genetics, Inc. and Illumina Laboratory Services, Illumina); PubMed 9070918 (cited by Myriad Genetics, Inc.); PubMed 34599368 (cited by Laboratory of Molecular, Cellular and Translation Genetics in Otolaryngology/ Lim32-hcfmusp, University of Sao Paulo School of Medicine Clinics Hospital).